The following is an entry in ClinVar:

ClinVar aggregate classification (germline): Uncertain significance. Review status: criteria provided, multiple submitters, no conflicts (2 of 4 stars). 2 submissions from 2 submitters: Uncertain significance (2). Last evaluated 2024-12-13.

Conditions:
Dilated cardiomyopathy 1O (CMD1O). Also called: CARDIOMYOPATHY, DILATED, WITH VENTRICULAR TACHYCARDIA. Identifiers: Orphanet 154, MedGen C1837839, MONDO:0012062, OMIM 608569.

Allele frequency attached by ClinVar (database versions not stated): gnomAD exomes 0.00001 and 0.00002; ExAC 0.00003; gnomAD 0.00003; TOPMed 0.00003.
gnomAD v4.1: 13 of 1,613,018 alleles (0.00081%); highest among the groups gnomAD compares: East Asian, 0.022%; no homozygotes.

Submissions (2):

Women's Health and Genetics/Laboratory Corporation of America, LabCorp
Classification: Uncertain significance. Last evaluated: 2024-12-13. Review status: criteria provided, single submitter. Criteria: LabCorp Variant Classification Summary - May 2015. Collection method: clinical testing. Allele origin: germline.
Comment: Variant summary: ABCC9 c.3913C>T (p.His1305Tyr) results in a conservative amino acid change in the encoded protein sequence. Three of five in-silico tools predict a benign effect of the variant on protein function. The variant allele was found at a frequency of 2.4e-05 in 251210 control chromosomes (gnomAD). The available data on variant occurrences in the general population are insufficient to allow any conclusion about variant significance. c.3913C>T has been reported in the literature in individuals affected with ABCC9 related conditions (example: Mazzarotto_2020, Subbotina_2019). These report(s) do not provide unequivocal conclusions about association of the variant with dilated cardiomyopathy. At least one publication reports experimental evidence evaluating an impact on protein function, however, does not allow convincing conclusions about the variant effect (Subbotina_2019). The following publications have been ascertained in the context of this evaluation (PMID: 32931854, 32622958, 31983221, 30878466). ClinVar contains an entry for this variant (Variation ID: 850318). Based on the evidence outlined above, the variant was classified as uncertain significance.

Labcorp Genetics (formerly Invitae), Labcorp
Classification: Uncertain significance for Dilated cardiomyopathy 1O. Last evaluated: 2024-10-23. Review status: criteria provided, single submitter. Criteria: Invitae Variant Classification Sherloc (09022015). Collection method: clinical testing. Allele origin: germline.
Comment: This sequence change replaces histidine, which is basic and polar, with tyrosine, which is neutral and polar, at codon 1305 of the ABCC9 protein (p.His1305Tyr). This variant is present in population databases (rs753081604, gnomAD 0.04%). This missense change has been observed in individual(s) with clinical features of ABCC9-related conditions (PMID: 30878466, 31983221). ClinVar contains an entry for this variant (Variation ID: 850318). Invitae Evidence Modeling of protein sequence and biophysical properties (such as structural, functional, and spatial information, amino acid conservation, physicochemical variation, residue mobility, and thermodynamic stability) indicates that this missense variant is not expected to disrupt ABCC9 protein function with a negative predictive value of 80%. Experimental studies are conflicting or provide insufficient evidence to determine the effect of this variant on ABCC9 function (PMID: 30878466). In summary, the available evidence is currently insufficient to determine the role of this variant in disease. Therefore, it has been classified as a Variant of Uncertain Significance.

Literature cited by the submitters: PubMed 31983221 (cited by Women's Health and Genetics/Laboratory Corporation of America, LabCorp and Labcorp Genetics (formerly Invitae), Labcorp); PubMed 32931854 (cited by Women's Health and Genetics/Laboratory Corporation of America, LabCorp); PubMed 30878466 (cited by Women's Health and Genetics/Laboratory Corporation of America, LabCorp and Labcorp Genetics (formerly Invitae), Labcorp); PubMed 32622958 (cited by Women's Health and Genetics/Laboratory Corporation of America, LabCorp).

NM_020297.4(ABCC9):c.3913C>T (p.His1305Tyr)

Genes: ABCC9 (ATP binding cassette subfamily C member 9; minus strand), KCNJ8-AS1 (KCNJ8 antisense RNA 1; plus strand). Cytogenetic location: 12p12.1.
Variant type: single nucleotide variant.
Coding change: c.3913C>T on transcript NM_020297.4 (MANE Select); coding-DNA position 3913, C replaced by T.
Protein change: p.His1305Tyr; replaces histidine 1305 with tyrosine.
Molecular consequence: missense variant.
Genome position (GRCh38, 1-based): chr12:21,815,873, G>A on the plus strand (C>T on the coding strand, the complement: ABCC9 is on the minus strand). VCF-style: chr12-21815873-G-A. GRCh37 (hg19) VCF-style: chr12-21968807-G-A.
Other names: c.3913C>T, p.His1305Tyr (NM_001377273.1, NM_005691.4); c.3046C>T, p.His1016Tyr (NM_001377274.1); short protein forms H1305Y, H1016Y.
Identifiers: ClinVar variation 850318 (VCV000850318.8), dbSNP rs753081604, ClinGen allele CA6480990.